The following is an entry in ClinVar:

ClinVar aggregate classification (germline): Benign. Review status: criteria provided, multiple submitters, no conflicts (2 of 4 stars). 11 submissions from 10 submitters: Benign (11). Last evaluated 2026-02-04.

Conditions:
Intellectual developmental disorder, autosomal dominant 29. Also called: Intellectual disability, autosomal dominant 29; SETBP1 Haploinsufficiency Disorder. Identifiers: Orphanet 436151, MedGen C4015141, MONDO:0014482, OMIM 616078.
Schinzel-Giedion syndrome (SGS). Identifiers: Orphanet 798, MedGen C0265227, MONDO:0010010, OMIM 269150.

Allele frequency attached by ClinVar (database versions not stated): gnomAD exomes 0.86328 and 0.88200; ExAC 0.87748; ESP Exome Variant Server 0.89958; gnomAD 0.90449 and 0.90817; 1000 Genomes Project 0.90695; 1000 Genomes Project 30x 0.90928; TOPMed 0.91552.
gnomAD v4.1: 1,400,303 of 1,613,938 alleles (87%); highest among the groups gnomAD compares: African/African-American, 98%; 609,103 homozygotes.

Submissions (11):

Labcorp Genetics (formerly Invitae), Labcorp
Classification: Benign. Last evaluated: 2026-02-04. Review status: criteria provided, single submitter. Criteria: Invitae Variant Classification Sherloc (09022015). Collection method: clinical testing. Allele origin: germline.

Blueprint Genetics
Classification: Benign. Last evaluated: 2024-11-28. Review status: criteria provided, single submitter. Criteria: ACMG Guidelines, 2015. Collection method: clinical testing. Allele origin: germline.

Unidad de Genómica Garrahan, Hospital de Pediatría Garrahan
Classification: Benign. Last evaluated: 2024-07-15. Review status: criteria provided, single submitter. Criteria: ACMG Guidelines, 2015. Collection method: clinical testing. Allele origin: germline. Affected: no. Observed: 93 variant alleles.
Comment: This variant is classified as Benign based on local population frequency. This variant was detected in 100% of patients studied in a panel designed for Epileptic and Developmental Encephalopathy and Progressive Myoclonus Epilepsy. Number of patients: 93. Only high quality variants are reported.

KCCC/NGS Laboratory, Kuwait Cancer Control Center
Classification: Benign for Schinzel-Giedion syndrome. Last evaluated: 2023-07-07. Review status: criteria provided, single submitter. Criteria: ACMG Guidelines, 2015. Collection method: clinical testing. Allele origin: germline. Affected: yes.

Genome-Nilou Lab
Classification: Benign for Intellectual developmental disorder, autosomal dominant 29. Last evaluated: 2021-07-15. Review status: criteria provided, single submitter. Criteria: ACMG Guidelines, 2015. Collection method: clinical testing. Allele origin: germline. Affected: no.

Genome-Nilou Lab
Classification: Benign for Schinzel-Giedion syndrome. Last evaluated: 2021-07-15. Review status: criteria provided, single submitter. Criteria: ACMG Guidelines, 2015. Collection method: clinical testing. Allele origin: germline. Affected: no.

GeneDx
Classification: Benign. Last evaluated: 2018-07-05. Review status: criteria provided, single submitter. Criteria: GeneDx Variant Classification Process June 2021. Collection method: clinical testing. Allele origin: germline. Affected: yes.

Athena Diagnostics
Classification: Benign. Last evaluated: 2018-05-06. Review status: criteria provided, single submitter. Criteria: Athena Diagnostics Criteria. Collection method: clinical testing. Allele origin: germline.

Mayo Clinic Laboratories, Mayo Clinic
Classification: Benign. Last evaluated: 2018-04-02. Review status: criteria provided, single submitter. Criteria: ACMG Guidelines, 2015. Collection method: clinical testing. Allele origin: germline. Observed: 537 variant alleles.

Genetic Services Laboratory, University of Chicago
Classification: Benign. Last evaluated: 2013-02-08. Review status: criteria provided, single submitter. Criteria: ACMG Guidelines, 2007. Collection method: clinical testing. Allele origin: germline. Inheritance: Autosomal dominant inheritance.

Breakthrough Genomics
Classification: Benign. Review status: criteria provided, single submitter. Criteria: ACMG Guidelines, 2015. Collection method: not provided. Allele origin: germline. Inheritance: Autosomal dominant inheritance. Affected: yes.

NM_015559.3(SETBP1):c.3825A>G (p.Ser1275=)

Gene: SETBP1 (SET binding protein 1; plus strand). Cytogenetic location: 18q12.3.
Variant type: single nucleotide variant.
Coding change: c.3825A>G on transcript NM_015559.3 (MANE Select); coding-DNA position 3825, A replaced by G.
Protein change: p.Ser1275=; no amino-acid change (serine 1275 retained).
Molecular consequence: synonymous variant.
Genome position (GRCh38, 1-based): chr18:44,953,165, A>G. VCF-style: chr18-44953165-A-G. GRCh37 (hg19) VCF-style: chr18-42533130-A-G.
Other names: p.Ser1275=; c.3825A>G, p.Ser1275= (LRG_1150t1).
Identifiers: ClinVar variation 159875 (VCV000159875.23), dbSNP rs8096662, ClinGen allele CA173398.